The following is an entry in ClinVar:

ClinVar aggregate classification (germline): Uncertain significance (0 of 4 stars; one submission).

Conditions:
PKD1-related disorder. Also called: PKD1-related condition.

Submission:

PreventionGenetics, part of Exact Sciences
Classification: Uncertain significance for PKD1-related condition. Last evaluated: 2024-06-11. Review status: no assertion criteria provided. Collection method: clinical testing. Allele origin: germline.
Comment: The PKD1 c.7411C>A variant is predicted to result in the amino acid substitution p.Pro2471Thr. To our knowledge, this variant has not been reported in the literature or in a large population database, indicating this variant is rare. A different amino acid change at the same position (p.Pro2471Leu) has been reported in an individual with autosomal dominant polycystic kidney disease (ADPKD) (Bouba et al. 2001. PubMed ID: 11571556). Although we suspect this variant may be pathogenic, at this time, the clinical significance of this variant is uncertain due to the absence of conclusive functional and genetic evidence.

NM_001009944.3(PKD1):c.7411C>A (p.Pro2471Thr)

Gene: PKD1 (polycystin 1, transient receptor potential channel interacting; minus strand). Cytogenetic location: 16p13.3.
Variant type: single nucleotide variant.
Coding change: c.7411C>A on transcript NM_001009944.3 (MANE Select); coding-DNA position 7411, C replaced by A.
Protein change: p.Pro2471Thr; replaces proline 2471 with threonine.
Molecular consequence: missense variant.
Genome position (GRCh38, 1-based): chr16:2,106,476, G>T on the plus strand (C>A on the coding strand, the complement: PKD1 is on the minus strand). VCF-style: chr16-2106476-G-T. GRCh37 (hg19) VCF-style: chr16-2156477-G-T.
Other names: c.7411C>A, p.Pro2471Thr (NM_000296.4); short protein forms P2471T.
Identifiers: ClinVar variation 2632873 (VCV002632873.2), dbSNP rs2151774021, ClinGen allele CA394369783.